The following is an entry in ClinVar:

NM_004984.4(KIF5A):c.2114G>T (p.Ser705Ile)

Gene: KIF5A (kinesin family member 5A; plus strand). Cytogenetic location: 12q13.3.
Variant type: single nucleotide variant.
Coding change: c.2114G>T on transcript NM_004984.4 (MANE Select); coding-DNA position 2114, G replaced by T.
Protein change: p.Ser705Ile; replaces serine 705 with isoleucine.
Molecular consequence: missense variant.
Genome position (GRCh38, 1-based): chr12:57,576,294, G>T. VCF-style: chr12-57576294-G-T. GRCh37 (hg19) VCF-style: chr12-57970077-G-T.
Other names: c.1847G>T, p.Ser616Ile (NM_001354705.2); short protein forms S616I, S705I.
Identifiers: ClinVar variation 1719787 (VCV001719787.5), dbSNP rs1379699288, ClinGen allele CA385511252.

ClinVar aggregate classification (germline): Uncertain significance (1 of 4 stars; one submission).

Conditions:
Spastic paraplegia. Identifiers: MedGen C0037772, HP:0001258.

Submission:

Labcorp Genetics (formerly Invitae), Labcorp
Classification: Uncertain significance for Spastic paraplegia. Last evaluated: 2022-09-20. Review status: criteria provided, single submitter. Criteria: Invitae Variant Classification Sherloc (09022015). Collection method: clinical testing. Allele origin: germline.
Comment: In summary, the available evidence is currently insufficient to determine the role of this variant in disease. Therefore, it has been classified as a Variant of Uncertain Significance. Advanced modeling of protein sequence and biophysical properties (such as structural, functional, and spatial information, amino acid conservation, physicochemical variation, residue mobility, and thermodynamic stability) performed at Invitae indicates that this missense variant is not expected to disrupt KIF5A protein function. This variant has not been reported in the literature in individuals affected with KIF5A-related conditions. This variant is not present in population databases (gnomAD no frequency). This sequence change replaces serine, which is neutral and polar, with isoleucine, which is neutral and non-polar, at codon 705 of the KIF5A protein (p.Ser705Ile).